The following is an entry in ClinVar:

NM_014287.4(NOMO1):c.2958C>T (p.Asn986=)

Gene: NOMO1 (NODAL modulator 1). Cytogenetic location: 16p13.11.
Variant type: single nucleotide variant.
Coding change: c.2958C>T on transcript NM_014287.4 (MANE Select); coding-DNA position 2958, C replaced by T.
Protein change: p.Asn986=; no amino-acid change (asparagine 986 retained).
Molecular consequence: synonymous variant.
Genome position (GRCh38, 1-based): chr16:14,881,616, C>T. VCF-style: chr16-14881616-C-T. GRCh37 (hg19) VCF-style: chr16-14975473-C-T.
Identifiers: ClinVar variation 2646243 (VCV002646243.23), dbSNP rs750378407, ClinGen allele CA7913873.
Genomic context (GRCh38, chr16:14,881,616, plus strand): 5'-AGTGTCTTCCTTAAACGGAGAGCCCGAACAAGGGGTTGCCATGGAAGCGGTGGGCCAGAA[C>T]GACTGCAGCATTTACGGAGAAGACACCGTGACAGACGAAGAGGGCAAGTTCAGATTACGT-3'
Protein context (NP_055102.3, residues 976-996): QGVAMEAVGQ[Asn986=]DCSIYGEDTV

ClinVar aggregate classification (germline): Likely benign (1 of 4 stars; one submission).

Allele frequency attached by ClinVar (database versions not stated): ExAC 0.00005; TOPMed 0.00009.

Submission:

CeGaT Center for Human Genetics Tuebingen
Classification: Likely benign. Last evaluated: 2023-01-01. Review status: criteria provided, single submitter. Criteria: CeGaT Center For Human Genetics Tuebingen Variant Classification Criteria Version 2. Collection method: clinical testing. Allele origin: germline. Affected: yes. Observed: 1 variant allele.
Comment: NOMO1: BP4, BP7